The following is an entry in ClinVar:

ClinVar aggregate classification (germline): Uncertain significance (1 of 4 stars; one submission).

Conditions:
Hereditary cancer-predisposing syndrome. Also called: Neoplastic Syndromes, Hereditary; Tumor predisposition; Hereditary Cancer Syndrome; Hereditary neoplastic syndrome. Identifiers: Orphanet 140162, MedGen C0027672, MeSH D009386, MONDO:0015356.

Submission:

Ambry Genetics
Classification: Uncertain significance for Hereditary cancer-predisposing syndrome. Last evaluated: 2022-06-07. Review status: criteria provided, single submitter. Criteria: Ambry Variant Classification Scheme 2023. Collection method: clinical testing. Allele origin: germline.
Comment: The p.E338D variant (also known as c.1014G>T), located in coding exon 8 of the MRE11A gene, results from a G to T substitution at nucleotide position 1014. The glutamic acid at codon 338 is replaced by aspartic acid, an amino acid with highly similar properties. This amino acid position is conserved. In addition, this alteration is predicted to be tolerated by in silico analysis. Since supporting evidence is limited at this time, the clinical significance of this alteration remains unclear.

NM_005591.4(MRE11):c.1014G>T (p.Glu338Asp)

Gene: MRE11 (MRE11 double strand break repair nuclease; minus strand). Cytogenetic location: 11q21.
Variant type: single nucleotide variant.
Coding change: c.1014G>T on transcript NM_005591.4 (MANE Select); coding-DNA position 1014, G replaced by T.
Protein change: p.Glu338Asp; replaces glutamic acid 338 with aspartic acid.
Molecular consequence: missense variant.
Genome position (GRCh38, 1-based): chr11:94,470,474, C>A on the plus strand (G>T on the coding strand, the complement: MRE11 is on the minus strand). VCF-style: chr11-94470474-C-A. GRCh37 (hg19) VCF-style: chr11-94203640-C-A.
Other names: c.1014G>T, p.Glu338Asp (NM_001330347.2, NM_005590.4); short protein forms E338D.
Identifiers: ClinVar variation 1800028 (VCV001800028.2), dbSNP rs1591692367, ClinGen allele CA382374184.